The following is an entry in ClinVar:

ClinVar aggregate classification (germline): Likely benign (1 of 4 stars; one submission).

Submission:

GeneDx
Classification: Likely benign. Last evaluated: 2017-06-28. Review status: criteria provided, single submitter. Criteria: GeneDx Variant Classification (06012015). Collection method: clinical testing. Allele origin: germline. Affected: yes.
Comment: This variant is considered likely benign or benign based on one or more of the following criteria: it is a conservative change, it occurs at a poorly conserved position in the protein, it is predicted to be benign by multiple in silico algorithms, and/or has population frequency not consistent with disease.

NM_001267550.2(TTN):c.74256T>C (p.Asp24752=)

Genes: TTN-AS1 (TTN antisense RNA 1; plus strand), TTN (titin; minus strand). Cytogenetic location: 2q31.2.
Variant type: single nucleotide variant.
Coding change: c.74256T>C on transcript NM_001267550.2 (MANE Select); coding-DNA position 74256, T replaced by C.
Protein change: p.Asp24752=; no amino-acid change (aspartic acid 24752 retained).
Molecular consequence: synonymous variant.
Genome position (GRCh38, 1-based): chr2:178,571,876, A>G on the plus strand (T>C on the coding strand, the complement: TTN is on the minus strand). VCF-style: chr2-178571876-A-G. GRCh37 (hg19) VCF-style: chr2-179436603-A-G.
Other names: c.69333T>C, p.Asp23111= (NM_001256850.1); c.47061T>C, p.Asp15687= (NM_003319.4); c.66552T>C, p.Asp22184= (NM_133378.4); c.47436T>C, p.Asp15812= (NM_133432.3); c.47637T>C, p.Asp15879= (NM_133437.4).
Identifiers: ClinVar variation 510643 (VCV000510643.1), dbSNP rs1553605579, ClinGen allele CA430255796.